The following is an entry in ClinVar:

ClinVar aggregate classification (germline): Uncertain significance (1 of 4 stars; one submission).

Submission:

GeneDx
Classification: Uncertain significance. Last evaluated: 2024-10-15. Review status: criteria provided, single submitter. Criteria: GeneDx Variant Classification Process June 2021. Collection method: clinical testing. Allele origin: germline. Affected: yes.
Comment: Canonical splice site variant in a gene for which loss-of-function is not a known mechanism of disease; Not observed at significant frequency in large population cohorts (gnomAD); Has not been previously published as pathogenic or benign to our knowledge

NM_017672.6(TRPM7):c.84-2A>G

Genes: TRPM7 (transient receptor potential cation channel subfamily M member 7; minus strand), LOC128092252 (uncharacterized LOC128092252; minus strand). Cytogenetic location: 15q21.2.
Variant type: single nucleotide variant.
Coding change: c.84-2A>G on transcript NM_017672.6 (MANE Select); the canonical splice acceptor site of the intron before coding-DNA position 84, A replaced by G.
Molecular consequence: splice acceptor variant.
Genome position (GRCh38, 1-based): chr15:50,657,821, T>C on the plus strand (A>G on the coding strand, the complement: TRPM7 is on the minus strand). VCF-style: chr15-50657821-T-C. GRCh37 (hg19) VCF-style: chr15-50950018-T-C.
Other names: c.84-2A>G (NM_001301212.2); c.268-2A>G (NM_001414947.1).
Identifiers: ClinVar variation 3893387 (VCV003893387.1).